The following is an entry in ClinVar:

ClinVar aggregate classification (germline): Conflicting classifications of pathogenicity. Review status: criteria provided, conflicting classifications (1 of 4 stars). 3 submissions from 3 submitters: Uncertain significance (1); Likely benign (2). Last evaluated 2025-03-01.

Conditions:
Hereditary spastic paraplegia 48. Also called: SPASTIC PARAPLEGIA 48, AUTOSOMAL RECESSIVE; Spastic paraplegia 48. Identifiers: Orphanet 306511, MedGen C3150901, MONDO:0013342, OMIM 613647.

Allele frequency attached by ClinVar (database versions not stated): gnomAD exomes 0.00003; TOPMed 0.00003; gnomAD 0.00006 and 0.00007.
gnomAD v4.1: 72 of 1,608,568 alleles (0.0045%); highest among the groups gnomAD compares: Non-Finnish European, 0.0058%; no homozygotes.

Submissions (3):

CeGaT Center for Human Genetics Tuebingen
Classification: Likely benign. Last evaluated: 2025-03-01. Review status: criteria provided, single submitter. Criteria: CeGaT Center For Human Genetics Tuebingen Variant Classification Criteria Version 2. Collection method: clinical testing. Allele origin: germline. Affected: yes. Observed: 1 variant allele.
Comment: AP5Z1: BP4, BP7

Labcorp Genetics (formerly Invitae), Labcorp
Classification: Likely benign for Hereditary spastic paraplegia 48. Last evaluated: 2018-02-23. Review status: criteria provided, single submitter. Criteria: Invitae Variant Classification Sherloc (09022015). Collection method: clinical testing. Allele origin: germline.

Illumina Laboratory Services, Illumina
Classification: Uncertain significance for Hereditary spastic paraplegia 48. Last evaluated: 2018-01-13. Review status: criteria provided, single submitter. Criteria: ICSL Variant Classification Criteria 13 December 2019. Collection method: clinical testing. Allele origin: germline.

NM_014855.3(AP5Z1):c.1617G>C (p.Leu539=)

Gene: AP5Z1 (adaptor related protein complex 5 subunit zeta 1; plus strand). Cytogenetic location: 7p22.1.
Variant type: single nucleotide variant.
Coding change: c.1617G>C on transcript NM_014855.3 (MANE Select); coding-DNA position 1617, G replaced by C.
Protein change: p.Leu539=; no amino-acid change (leucine 539 retained).
Molecular consequence: synonymous variant. On other transcripts: non-coding transcript variant (1).
Genome position (GRCh38, 1-based): chr7:4,788,861, G>C. VCF-style: chr7-4788861-G-C. GRCh37 (hg19) VCF-style: chr7-4828492-G-C.
Other names: c.1149G>C, p.Leu383= (NM_001364858.1).
Identifiers: ClinVar variation 700389 (VCV000700389.21), dbSNP rs569601905, ClinGen allele CA4137942.